The following is an entry in ClinVar:

ClinVar aggregate classification (germline): Conflicting classifications of pathogenicity. Review status: criteria provided, conflicting classifications (1 of 4 stars). 3 submissions from 3 submitters: Uncertain significance (2); Likely benign (1). Last evaluated 2025-06-30.

Conditions:
Cardiovascular phenotype. Identifiers: MedGen CN230736.

gnomAD v4.1: 2 of 1,612,576 alleles (0.00012%); no homozygotes.

Submissions (3):

Ambry Genetics
Classification: Uncertain significance for Cardiovascular phenotype. Last evaluated: 2025-06-30. Review status: criteria provided, single submitter. Criteria: Ambry Variant Classification Scheme 2023. Collection method: clinical testing. Allele origin: germline.
Comment: The p.M418I variant (also known as c.1254G>C), located in coding exon 8 of the TBX20 gene, results from a G to C substitution at nucleotide position 1254. The methionine at codon 418 is replaced by isoleucine, an amino acid with highly similar properties. This amino acid position is highly conserved in available vertebrate species. In addition, the in silico prediction for this alteration is inconclusive. Since supporting evidence is limited at this time, the clinical significance of this alteration remains unclear.

Labcorp Genetics (formerly Invitae), Labcorp
Classification: Uncertain significance. Last evaluated: 2025-05-18. Review status: criteria provided, single submitter. Criteria: Invitae Variant Classification Sherloc (09022015). Collection method: clinical testing. Allele origin: germline.
Comment: This sequence change replaces methionine, which is neutral and non-polar, with isoleucine, which is neutral and non-polar, at codon 418 of the TBX20 protein (p.Met418Ile). This variant is not present in population databases (gnomAD no frequency). This variant has not been reported in the literature in individuals affected with TBX20-related conditions. ClinVar contains an entry for this variant (Variation ID: 1761530). An algorithm developed to predict the effect of missense changes on protein structure and function (PolyPhen-2) suggests that this variant is likely to be tolerated. In summary, the available evidence is currently insufficient to determine the role of this variant in disease. Therefore, it has been classified as a Variant of Uncertain Significance.

Blueprint Genetics
Classification: Likely benign. Last evaluated: 2019-08-14. Review status: criteria provided, single submitter. Criteria: ACMG Guidelines, 2015. Collection method: clinical testing. Allele origin: germline.

NM_001077653.2(TBX20):c.1254G>C (p.Met418Ile)

Gene: TBX20 (T-box transcription factor 20; minus strand). Cytogenetic location: 7p14.2.
Variant type: single nucleotide variant.
Coding change: c.1254G>C on transcript NM_001077653.2 (MANE Select); coding-DNA position 1254, G replaced by C.
Protein change: p.Met418Ile; replaces methionine 418 with isoleucine.
Molecular consequence: missense variant.
Genome position (GRCh38, 1-based): chr7:35,202,520, C>G on the plus strand (G>C on the coding strand, the complement: TBX20 is on the minus strand). VCF-style: chr7-35202520-C-G. GRCh37 (hg19) VCF-style: chr7-35242132-C-G.
Other names: short protein forms M418I.
Identifiers: ClinVar variation 1761530 (VCV001761530.7), dbSNP rs775097565, ClinGen allele CA367262894.